The following is an entry in ClinVar:

NM_020708.5(SLC12A5):c.197C>T (p.Ala66Val)

Gene: SLC12A5 (solute carrier family 12 member 5; plus strand). Cytogenetic location: 20q13.12.
Variant type: single nucleotide variant.
Coding change: c.197C>T on transcript NM_020708.5 (MANE Select); coding-DNA position 197, C replaced by T.
Protein change: p.Ala66Val; replaces alanine 66 with valine.
Molecular consequence: missense variant.
Genome position (GRCh38, 1-based): chr20:46,035,453, C>T. VCF-style: chr20-46035453-C-T. GRCh37 (hg19) VCF-style: chr20-44664092-C-T.
Other names: c.266C>T, p.Ala89Val (NM_001134771.2); short protein forms A66V, A89V.
Identifiers: ClinVar variation 1485633 (VCV001485633.5), dbSNP rs2145482188, ClinGen allele CA409187191.

ClinVar aggregate classification (germline): Uncertain significance (1 of 4 stars; one submission).

Conditions:
Developmental and epileptic encephalopathy, 34 (DEE34). Also called: Early infantile epileptic encephalopathy 34; SLC12A5-Related Epilepsy of Infancy with Migrating Focal Seizures. Identifiers: Orphanet 293181, MedGen C4225257, MONDO:0014718, OMIM 616645.

Submission:

Labcorp Genetics (formerly Invitae), Labcorp
Classification: Uncertain significance for Developmental and epileptic encephalopathy, 34. Last evaluated: 2022-08-31. Review status: criteria provided, single submitter. Criteria: Invitae Variant Classification Sherloc (09022015). Collection method: clinical testing. Allele origin: germline.
Comment: This sequence change replaces alanine, which is neutral and non-polar, with valine, which is neutral and non-polar, at codon 66 of the SLC12A5 protein (p.Ala66Val). This variant is not present in population databases (gnomAD no frequency). This variant has not been reported in the literature in individuals affected with SLC12A5-related conditions. ClinVar contains an entry for this variant (Variation ID: 1485633). Advanced modeling of protein sequence and biophysical properties (such as structural, functional, and spatial information, amino acid conservation, physicochemical variation, residue mobility, and thermodynamic stability) performed at Invitae indicates that this missense variant is not expected to disrupt SLC12A5 protein function. In summary, the available evidence is currently insufficient to determine the role of this variant in disease. Therefore, it has been classified as a Variant of Uncertain Significance.